The following is an entry in ClinVar:

NM_003482.4(KMT2D):c.13999_13999+12del

Gene: KMT2D (lysine methyltransferase 2D; minus strand). Cytogenetic location: 12q13.12.
Variant type: Deletion.
Coding change: c.13999_13999+12del on transcript NM_003482.4 (MANE Select); coding-DNA position 13999 through 12 bases into the intron after coding-DNA position 13999, 13 bases deleted (GGTAAGTCAAGAG).
Molecular consequence: splice donor variant.
Genome position (GRCh38, 1-based): chr12:49,030,268-49,030,280, CTCTTGACTTACC deleted on the plus strand (GGTAAGTCAAGAG on the coding strand, the reverse complement: KMT2D is on the minus strand); deleting any 13 consecutive bases within chr12:49,030,268-49,030,281 gives the same sequence; the c. name uses the placement nearest the transcript's 3' end. VCF-style (leftmost placement, unchanged base first): chr12-49030267-GCTCTTGACTTACC-G. GRCh37 (hg19) VCF-style: chr12-49424050-GCTCTTGACTTACC-G.
Other names: c.13999_13999+12del13 (NM_003482.4).
Identifiers: ClinVar variation 2442332 (VCV002442332.2), dbSNP rs2498342449, ClinGen allele CA2580085593.

ClinVar aggregate classification (germline): Pathogenic. Review status: criteria provided, single submitter (1 of 4 stars). 2 submissions from 2 submitters: Pathogenic (1). 1 of the submissions does not count toward it. Last evaluated 2024-01-01.

Conditions:
Kabuki syndrome 1 (KABUK1). Also called: KMT2D-Related Kabuki Syndrome. Identifiers: Orphanet 2322, MedGen CN030661, MONDO:0007843, OMIM 147920.

Submissions (2):

Daryl Scott Lab, Baylor College of Medicine
Classification: Pathogenic for Kabuki syndrome 1. Last evaluated: 2024-01-01. Review status: criteria provided, single submitter. Criteria: ACMG Guidelines, 2015. Collection method: clinical testing. Allele origin: de novo. Affected: yes. Observed: 1 heterozygote.
Comment: PVS1, PM2

Bodamer Research Lab, Boston Children's Hospital
Classification: Pathogenic for Kabuki syndrome 1. Last evaluated: 2023-01-01. Review status: no assertion criteria provided. Collection method: provider interpretation. Allele origin: germline. Affected: yes. Not counted in ClinVar's aggregate classification.